The following is an entry in ClinVar:

ClinVar aggregate classification (germline): Uncertain significance. Review status: criteria provided, multiple submitters, no conflicts (2 of 4 stars). 2 submissions from 2 submitters: Uncertain significance (2). Last evaluated 2021-12-01.

Conditions:
Christianson syndrome (MRXSCH). Also called: SLC9A6-Related Syndromic Mental Retardation; X-linked mental retardation, syndromic, Christianson type; INTELLECTUAL DEVELOPMENTAL DISORDER, X-LINKED, SYNDROMIC, CHRISTIANSON TYPE. Identifiers: Orphanet 85278, MedGen C2678194, MONDO:0010278, OMIM 300243.

Allele frequency attached by ClinVar (database versions not stated): gnomAD exomes below 0.00001.
gnomAD v4.1: 1 of 1,202,540 alleles (0.000083%); highest among the groups gnomAD compares: East Asian, 0.003%; no homozygotes.

Submissions (2):

Labcorp Genetics (formerly Invitae), Labcorp
Classification: Uncertain significance for Christianson syndrome. Last evaluated: 2021-12-01. Review status: criteria provided, single submitter. Criteria: Invitae Variant Classification Sherloc (09022015). Collection method: clinical testing. Allele origin: germline.
Comment: This sequence change falls in intron 7 of the SLC9A6 gene. It does not directly change the encoded amino acid sequence of the SLC9A6 protein. It affects a nucleotide within the consensus splice site. This variant is not present in population databases (gnomAD no frequency). This variant has not been reported in the literature in individuals affected with SLC9A6-related conditions. ClinVar contains an entry for this variant (Variation ID: 1002023). Variants that disrupt the consensus splice site are a relatively common cause of aberrant splicing (PMID: 17576681, 9536098). Experimental studies and prediction algorithms are not available or were not evaluated, and the effect of this variant on mRNA splicing is currently unknown. In summary, the available evidence is currently insufficient to determine the role of this variant in disease. Therefore, it has been classified as a Variant of Uncertain Significance.

GeneDx
Classification: Uncertain significance. Last evaluated: 2019-01-25. Review status: criteria provided, single submitter. Criteria: GeneDx Variant Classification Process June 2021. Collection method: clinical testing. Allele origin: germline. Affected: yes.
Comment: Not observed in large population cohorts (Lek et al., 2016); Has not been previously published as pathogenic or benign to our knowledge; In-silico analysis, which includes splice predictors and evolutionary conservation, is inconclusive as to whether the variant alters gene splicing. In the absence of RNA/functional studies, the actual effect of this sequence change is unknown.

Literature cited by the submitters: PubMed 17576681 (cited by Labcorp Genetics (formerly Invitae), Labcorp); PubMed 9536098 (cited by Labcorp Genetics (formerly Invitae), Labcorp).

NM_001379110.1(SLC9A6):c.885+5C>T

Gene: SLC9A6 (solute carrier family 9 member A6; plus strand). Cytogenetic location: Xq26.3.
Variant type: single nucleotide variant.
Coding change: c.885+5C>T on transcript NM_001379110.1 (MANE Select); 5 bases into the intron after coding-DNA position 885, C replaced by T.
Molecular consequence: intron variant.
Genome position (GRCh38, 1-based): chrX:136,010,588, C>T. VCF-style: chrX-136010588-C-T. GRCh37 (hg19) VCF-style: chrX-135092747-C-T.
Other names: c.1041+5C>T (NM_001042537.2); c.945+5C>T (NM_006359.3); c.885+5C>T (NM_001177651.2); c.789+5C>T (NM_001330652.2).
Identifiers: ClinVar variation 1002023 (VCV001002023.10), dbSNP rs2070901186, ClinGen allele CA2460193824.